The following is an entry in ClinVar:

ClinVar aggregate classification (germline): Likely pathogenic (1 of 4 stars; one submission).

Submission:

CeGaT Center for Human Genetics Tuebingen
Classification: Likely pathogenic. Last evaluated: 2022-05-01. Review status: criteria provided, single submitter. Criteria: CeGaT Center For Human Genetics Tuebingen Variant Classification Criteria Version 2. Collection method: clinical testing. Allele origin: germline. Affected: yes. Observed: 1 variant allele.
Comment: CACNA1A: PVS1:Strong, PM2

NM_001127222.2(CACNA1A):c.1144C>T (p.Gln382Ter)

Gene: CACNA1A (calcium voltage-gated channel subunit alpha1 A; minus strand). Cytogenetic location: 19p13.13.
Variant type: single nucleotide variant.
Coding change: c.1144C>T on transcript NM_001127222.2 (MANE Select); coding-DNA position 1144, C replaced by T.
Protein change: p.Gln382Ter; replaces glutamine 382 with a stop codon.
Molecular consequence: nonsense.
Genome position (GRCh38, 1-based): chr19:13,334,432, G>A on the plus strand (C>T on the coding strand, the complement: CACNA1A is on the minus strand). VCF-style: chr19-13334432-G-A. GRCh37 (hg19) VCF-style: chr19-13445246-G-A.
Other names: c.1144C>T, p.Gln382Ter (NM_000068.4, NM_001127221.2, NM_001174080.2 and 1 more transcripts); short protein forms Q382*.
Identifiers: ClinVar variation 2649392 (VCV002649392.24), dbSNP rs2513049085, ClinGen allele CA404346516.